The following is an entry in ClinVar:

ClinVar aggregate classification (germline): Benign/Likely benign. Review status: criteria provided, multiple submitters, no conflicts (2 of 4 stars). 13 submissions from 12 submitters: Benign (6); Likely benign (5). 2 of the submissions do not count toward it. Last evaluated 2026-01-27.

Conditions:
WFS1-Related Spectrum Disorders.
Wolfram syndrome 1 (WFS1). Identifiers: Orphanet 3463, MedGen C4551693, MONDO:0009101, OMIM 222300.
Autosomal dominant nonsyndromic hearing loss 6 (LFSNHL). Also called: DEAFNESS, AUTOSOMAL DOMINANT 6; DEAFNESS, AUTOSOMAL DOMINANT 14; DEAFNESS, AUTOSOMAL DOMINANT 38; Autosomal dominant nonsyndromic deafness 6. Identifiers: Orphanet 90635, MedGen C1833021, MONDO:0010963, OMIM 600965.

Allele frequency attached by ClinVar (database versions not stated): gnomAD exomes 0.00028 and 0.00065; ExAC 0.00074; gnomAD 0.00248 and 0.00269; TOPMed 0.00255; ESP Exome Variant Server 0.00269; 1000 Genomes Project 0.00280; 1000 Genomes Project 30x 0.00281.
gnomAD v4.1: 800 of 1,612,854 alleles (0.05%); highest among the groups gnomAD compares: African/African-American, 0.84%; 2 homozygotes.

Submissions (13):

Labcorp Genetics (formerly Invitae), Labcorp
Classification: Benign. Last evaluated: 2026-01-27. Review status: criteria provided, single submitter. Criteria: Invitae Variant Classification Sherloc (09022015). Collection method: clinical testing. Allele origin: germline.

CeGaT Center for Human Genetics Tuebingen
Classification: Likely benign. Last evaluated: 2025-11-01. Review status: criteria provided, single submitter. Criteria: CeGaT Center For Human Genetics Tuebingen Variant Classification Criteria Version 2. Collection method: clinical testing. Allele origin: germline. Affected: yes. Observed: 1 variant allele.
Comment: WFS1: BP4, BP7

Blueprint Genetics
Classification: Likely benign. Last evaluated: 2024-11-25. Review status: criteria provided, single submitter. Criteria: ACMG Guidelines, 2015. Collection method: clinical testing. Allele origin: germline.

Illumina Laboratory Services, Illumina
Classification: Benign for Autosomal dominant nonsyndromic hearing loss 6. Last evaluated: 2018-01-13. Review status: criteria provided, single submitter. Criteria: ICSL Variant Classification Criteria 13 December 2019. Collection method: clinical testing. Allele origin: germline.
Comment: This variant was observed in the ICSL laboratory as part of a predisposition screen in an ostensibly healthy population. It had not been previously curated by ICSL or reported in the Human Gene Mutation Database (HGMD: prior to June 1st, 2018), and was therefore a candidate for classification through an automated scoring system. Utilizing variant allele frequency, disease prevalence and penetrance estimates, and inheritance mode, an automated score was calculated to assess if this variant is too frequent to cause the disease. Based on the score and internal cut-off values, a variant classified as benign is not then subjected to further curation. The score for this variant resulted in a classification of benign for this disease.

Illumina Laboratory Services, Illumina
Classification: Likely benign for WFS1-Related Spectrum Disorders. Last evaluated: 2018-01-13. Review status: criteria provided, single submitter. Criteria: ICSL Variant Classification Criteria 13 December 2019. Collection method: clinical testing. Allele origin: germline.
Comment: This variant was observed in the ICSL laboratory as part of a predisposition screen in an ostensibly healthy population. It had not been previously curated by ICSL or reported in the Human Gene Mutation Database (HGMD: prior to June 1st, 2018), and was therefore a candidate for classification through an automated scoring system. Utilizing variant allele frequency, disease prevalence and penetrance estimates, and inheritance mode, an automated score was calculated to assess if this variant is too frequent to cause the disease. Based on the score and internal cut-off values, a variant classified as likely benign is not then subjected to further curation. The score for this variant resulted in a classification of likely benign for this disease.

Eurofins Ntd Llc (ga)
Classification: Benign. Last evaluated: 2017-01-12. Review status: criteria provided, single submitter. Criteria: EGL Classification Definitions 2015. Collection method: clinical testing. Allele origin: germline. Observed: 1 variant allele, 1 heterozygote.

GeneDx
Classification: Benign. Last evaluated: 2015-06-24. Review status: criteria provided, single submitter. Criteria: GeneDx Variant Classification (06012015). Collection method: clinical testing. Allele origin: germline. Affected: yes.
Comment: This variant is considered likely benign or benign based on one or more of the following criteria: it is a conservative change, it occurs at a poorly conserved position in the protein, it is predicted to be benign by multiple in silico algorithms, and/or has population frequency not consistent with disease.

Laboratory for Molecular Medicine, Mass General Brigham Personalized Medicine
Classification: Benign. Last evaluated: 2012-04-30. Review status: criteria provided, single submitter. Criteria: LMM Criteria. Collection method: clinical testing. Allele origin: germline. Observed: 2 variant alleles.
Comment: Arg558Arg in Exon 08 of WFS1: This variant is not expected to have clinical sign ificance because it does not alter an amino acid residue, is not located within the splice consensus sequence, and has been identified in 0.8% (30/3738) of Afri can American chromosomes from a broad population by the NHLBI Exome Sequencing P roject (dbSNP rs61735402).

Breakthrough Genomics
Classification: Likely benign. Review status: criteria provided, single submitter. Criteria: ACMG Guidelines, 2015. Collection method: not provided. Allele origin: germline. Inheritance: Autosomal recessive inheritance. Affected: yes.

Clinical Genomics, Uppaluri K&H Personalized Medicine Clinic
Classification: Benign for Wolfram syndrome 1. Review status: criteria provided, single submitter. Criteria: K & H Uppaluri Personalized Medicine Clinic Variant Classification & Assertion Criteria_Updated V.1. Collection method: research. Allele origin: unknown. Inheritance: Autosomal recessive inheritance.
Comment: Potent mutations in WFS1 gene are associated with Wolfram's syndrome, an autosomal recessive condition, which cause diabetes mellitus, diabetes insipidus, deafness and optic atrophy. However no sufficient evidence is found to ascertain the role of this particular variant rs61735402 in Wolfram's syndrome yet.

PreventionGenetics, part of Exact Sciences
Classification: Likely benign. Review status: criteria provided, single submitter. Criteria: ACMG Guidelines, 2015. Collection method: clinical testing. Allele origin: germline.

Clinical Genetics, Academic Medical Center
Classification: Likely benign. Review status: no assertion criteria provided. Collection method: clinical testing. Allele origin: germline. Affected: yes. Study: VKGL Data-share Consensus. Not counted in ClinVar's aggregate classification.

Laboratory of Diagnostic Genome Analysis, Leiden University Medical Center (LUMC)
Classification: Likely benign. Review status: no assertion criteria provided. Collection method: clinical testing. Allele origin: germline. Affected: yes. Study: VKGL Data-share Consensus. Not counted in ClinVar's aggregate classification.

Literature cited by the submitters: PubMed 20738327 (cited by Clinical Genomics, Uppaluri K&H Personalized Medicine Clinic); PubMed 33879153 (cited by Clinical Genomics, Uppaluri K&H Personalized Medicine Clinic); PubMed 12955714 (cited by Clinical Genomics, Uppaluri K&H Personalized Medicine Clinic); PubMed 18060660 (cited by Clinical Genomics, Uppaluri K&H Personalized Medicine Clinic); PubMed 20301750 (cited by Clinical Genomics, Uppaluri K&H Personalized Medicine Clinic); PubMed 17603484 (cited by Clinical Genomics, Uppaluri K&H Personalized Medicine Clinic).

NM_006005.3(WFS1):c.1674C>T (p.Arg558=)

Gene: WFS1 (wolframin ER transmembrane glycoprotein; plus strand). Cytogenetic location: 4p16.1.
Variant type: single nucleotide variant.
Coding change: c.1674C>T on transcript NM_006005.3 (MANE Select); coding-DNA position 1674, C replaced by T.
Protein change: p.Arg558=; no amino-acid change (arginine 558 retained).
Molecular consequence: synonymous variant.
Genome position (GRCh38, 1-based): chr4:6,301,469, C>T. VCF-style: chr4-6301469-C-T. GRCh37 (hg19) VCF-style: chr4-6303196-C-T.
Other names: c.1674C>T, p.Arg558= (NM_001145853.1).
Identifiers: ClinVar variation 178594 (VCV000178594.35), dbSNP rs61735402, ClinGen allele CA182624.
Genomic context (GRCh38, chr4:6,301,469, plus strand): 5'-CATGTGGTGTGAGCTCTCCGTGGTCATCCTGCTGGAGTCCACCGGCCTGGGGCTGCTCCG[C>T]GCCTCCATCGGCTACTTCCTCTTCCTCTTTGCCCTCCCCATCCTGGTGGCCGGCCTGGCC-3'
Protein context (NP_005996.2, residues 548-568): LLESTGLGLL[Arg558=]ASIGYFLFLF